The following is an entry in ClinVar:

ClinVar aggregate classification (germline): Likely benign (1 of 4 stars; one submission).

Conditions:
Familial colorectal cancer type X. Identifiers: Orphanet 440437, MedGen C3896578, MONDO:0018604.

Submission:

Myriad Genetics, Inc.
Classification: Likely benign for Familial colorectal cancer type X. Last evaluated: 2026-07-31. Review status: criteria provided, single submitter. Criteria: Myriad Autosomal Dominant, Autosomal Recessive and X-Linked Classification Criteria (2023). Collection method: clinical testing. Allele origin: unknown.
Comment: This variant is considered likely benign. This variant is intronic and is not expected to impact mRNA splicing.

NM_001023.4(RPS20):c.178-5del

Gene: RPS20 (ribosomal protein S20; minus strand). Cytogenetic location: 8q12.1.
Variant type: Deletion.
Coding change: c.178-5del on transcript NM_001023.4 (MANE Select); 5 bases into the intron before coding-DNA position 178, one base deleted (T; older notation c.178-5delT).
Molecular consequence: intron variant.
Genome position (GRCh38, 1-based): chr8:56,073,277, A deleted on the plus strand (T on the coding strand, the reverse complement: RPS20 is on the minus strand); the first of 2 consecutive A bases (chr8:56,073,277-56,073,278); deleting either gives the same sequence. VCF-style (leftmost placement, unchanged base first): chr8-56073276-TA-T. GRCh37 (hg19) VCF-style: chr8-56985835-TA-T.
Other names: c.178-5del (NM_001146227.3).
Identifiers: ClinVar variation 5042384 (VCV005042384.1).